The following is an entry in ClinVar:

ClinVar aggregate classification (germline): Uncertain significance (1 of 4 stars; one submission).

Allele frequency attached by ClinVar (database versions not stated): gnomAD exomes below 0.00001; TOPMed below 0.00001; ExAC 0.00001.
gnomAD v4.1: 3 of 1,614,196 alleles (0.00019%); highest among the groups gnomAD compares: African/African-American, 0.0027%; no homozygotes.

Submission:

Labcorp Genetics (formerly Invitae), Labcorp
Classification: Uncertain significance. Last evaluated: 2023-11-20. Review status: criteria provided, single submitter. Criteria: Invitae Variant Classification Sherloc (09022015). Collection method: clinical testing. Allele origin: germline.
Comment: This sequence change replaces glutamic acid, which is acidic and polar, with glutamine, which is neutral and polar, at codon 342 of the RNF13 protein (p.Glu342Gln). This variant is present in population databases (rs781271591, gnomAD 0.01%). This variant has not been reported in the literature in individuals affected with RNF13-related conditions. An algorithm developed to predict the effect of missense changes on protein structure and function (PolyPhen-2) suggests that this variant is likely to be disruptive. In summary, the available evidence is currently insufficient to determine the role of this variant in disease. Therefore, it has been classified as a Variant of Uncertain Significance.

NM_183381.3(RNF13):c.1024G>C (p.Glu342Gln)

Gene: RNF13 (ring finger protein 13; plus strand). Cytogenetic location: 3q25.1.
Variant type: single nucleotide variant.
Coding change: c.1024G>C on transcript NM_183381.3 (MANE Select); coding-DNA position 1024, G replaced by C.
Protein change: p.Glu342Gln; replaces glutamic acid 342 with glutamine.
Molecular consequence: missense variant. On other transcripts: non-coding transcript variant (1).
Genome position (GRCh38, 1-based): chr3:149,960,982, G>C. VCF-style: chr3-149960982-G-C. GRCh37 (hg19) VCF-style: chr3-149678769-G-C.
Other names: c.1024G>C, p.Glu342Gln (NM_001378285.1, NM_001378286.1, NM_007282.4); c.667G>C, p.Glu223Gln (NM_001378287.1, NM_001378288.1, NM_001378289.1 and 2 more transcripts); c.631G>C, p.Glu211Gln (NM_001378291.1); short protein forms E342Q, E211Q, E223Q.
Identifiers: ClinVar variation 2697701 (VCV002697701.3), dbSNP rs781271591, ClinGen allele CA2663147.